The following is an entry in ClinVar:

NM_005732.4(RAD50):c.232G>A (p.Val78Met)

Gene: RAD50 (RAD50 double strand break repair protein; plus strand). Cytogenetic location: 5q31.1.
Variant type: single nucleotide variant.
Coding change: c.232G>A on transcript NM_005732.4 (MANE Select); coding-DNA position 232, G replaced by A.
Protein change: p.Val78Met; replaces valine 78 with methionine.
Molecular consequence: missense variant.
Genome position (GRCh38, 1-based): chr5:132,575,795, G>A. VCF-style: chr5-132575795-G-A. GRCh37 (hg19) VCF-style: chr5-131911487-G-A.
Other names: short protein forms V78M.
Identifiers: ClinVar variation 230849 (VCV000230849.14), dbSNP rs876658808, ClinGen allele CA10578481.
Genomic context (GRCh38, chr5:132,575,795, plus strand): 5'-TTATTAAAGTAACATAAGTTTTTTCTGTGTTTTCCTTCAAAGGTTGCTCAAGAAACAGAT[G>A]TGAGAGCCCAGATTCGTCTGCAATTTCGTGATGTCAATGGAGAACTTATAGCTGTGCAAA-3'
Protein context (NP_005723.2, residues 68-88): HDPKVAQETD[Val78Met]RAQIRLQFRD

ClinVar aggregate classification (germline): Uncertain significance. Review status: criteria provided, multiple submitters, no conflicts (2 of 4 stars). 2 submissions from 2 submitters: Uncertain significance (2). Last evaluated 2024-06-06.

Conditions:
Hereditary cancer-predisposing syndrome. Also called: Neoplastic Syndromes, Hereditary; Tumor predisposition; Hereditary Cancer Syndrome; Hereditary neoplastic syndrome. Identifiers: Orphanet 140162, MedGen C0027672, MeSH D009386, MONDO:0015356.

Allele frequency attached by ClinVar (database versions not stated): gnomAD exomes below 0.00001; TOPMed below 0.00001.
gnomAD v4.1: 3 of 1,598,108 alleles (0.00019%); highest among the groups gnomAD compares: Non-Finnish European, 0.00017%; no homozygotes.

Submissions (2):

Labcorp Genetics (formerly Invitae), Labcorp
Classification: Uncertain significance for Hereditary cancer-predisposing syndrome. Last evaluated: 2024-06-06. Review status: criteria provided, single submitter. Criteria: Invitae Variant Classification Sherloc (09022015). Collection method: clinical testing. Allele origin: germline.
Comment: This sequence change replaces valine, which is neutral and non-polar, with methionine, which is neutral and non-polar, at codon 78 of the RAD50 protein (p.Val78Met). This variant is not present in population databases (gnomAD no frequency). This variant has not been reported in the literature in individuals affected with RAD50-related conditions. ClinVar contains an entry for this variant (Variation ID: 230849). Advanced modeling of protein sequence and biophysical properties (such as structural, functional, and spatial information, amino acid conservation, physicochemical variation, residue mobility, and thermodynamic stability) performed at Invitae indicates that this missense variant is expected to disrupt RAD50 protein function with a positive predictive value of 80%. In summary, the available evidence is currently insufficient to determine the role of this variant in disease. Therefore, it has been classified as a Variant of Uncertain Significance.

Ambry Genetics
Classification: Uncertain significance for Hereditary cancer-predisposing syndrome. Last evaluated: 2016-09-28. Review status: criteria provided, single submitter. Criteria: Ambry Variant Classification Scheme 2023. Collection method: clinical testing. Allele origin: germline.
Comment: The p.V78M variant (also known as c.232G>A), located in coding exon 3 of the RAD50 gene, results from a G to A substitution at nucleotide position 232. The valine at codon 78 is replaced by methionine, an amino acid with highly similar properties. This variant was not reported in population based cohorts in the following databases: Database of Single Nucleotide Polymorphisms (dbSNP), NHLBI Exome Sequencing Project (ESP), and 1000 Genomes Project. In the ESP, this variant was not observed in 6503 samples (13006 alleles) with coverage at this position. To date, this alteration has been detected with an allele frequency of approximately 0.001% (greater than 175000 alleles tested) in our clinical cohort. Based on protein sequence alignment, this amino acid position is highly conserved in available vertebrate species. In addition, the in silico prediction for this alteration is inconclusive. Since supporting evidence is limited at this time, the clinical significance of this alteration remains unclear.